The following is an entry in ClinVar:

ClinVar aggregate classification (germline): Likely pathogenic (1 of 4 stars; one submission).

Conditions:
Congenital adrenal hyperplasia due to cytochrome P450 oxidoreductase deficiency. Also called: DISORDERED STEROIDOGENESIS DUE TO POR DEFICIENCY. Identifiers: Orphanet 95699, MedGen C1860042, MONDO:0013310, OMIM 613571.
Antley-Bixler syndrome with genital anomalies and disordered steroidogenesis (ABS1). Also called: POR Deficiency. Identifiers: Orphanet 63269, MedGen C3150099, MONDO:0008726, OMIM 201750.

Submission:

Molecular Genetics Department, Kulakov National Medical Research Center for Obstetrics, Gynecology and Perinatology
Classification: Likely pathogenic for Antley-Bixler syndrome with genital anomalies and disordered steroidogenesis; Congenital adrenal hyperplasia due to cytochrome P450 oxidoreductase deficiency. Review status: criteria provided, single submitter. Criteria: ACMG Guidelines, 2015. Collection method: clinical testing. Allele origin: germline. Affected: yes. Observed: 1 variant allele.
Comment: A previously undescribed heterozygous nucleotide variant creates a frameshift p.Glu498SerfsTer44 in the POR gene. Homozygous and compound heterozygous variants are reported in patients with Antley-Bixler syndrome with genital anomalies and disordered steroidogenesis, 201750; Disordered steroidogenesis due to cytochrome p450 oxidoreductase, 613571. The variant is not present in population database (gnomAD no frequency). The variant is found in trans-position with the POR variant (NM_001395413.1:c.821+2dup, rs886062440). In summary, the currently available evidence indicates that the variant is pathogenic, but additional data are needed to prove that conclusively. Therefore, this variant has been classified as likely pathogenic.

NM_000941.3:c.1501del

Gene: POR (cytochrome p450 oxidoreductase; plus strand).
Variant type: Deletion.
Other names: c.1501del (NM_000941.3).
Identifiers: ClinVar variation 4294465 (VCV004294465.1).